The following is an entry in ClinVar:

ClinVar aggregate classification (germline): Uncertain significance (1 of 4 stars; one submission).

Conditions:
Dystonic disorder. Also called: Dystonia. Identifiers: MedGen C0013421, MONDO:0003441, HP:0001332.

Submission:

Labcorp Genetics (formerly Invitae), Labcorp
Classification: Uncertain significance for Dystonic disorder. Last evaluated: 2025-08-26. Review status: criteria provided, single submitter. Criteria: Invitae Variant Classification Sherloc (09022015). Collection method: clinical testing. Allele origin: germline.
Comment: This sequence change replaces arginine, which is basic and polar, with serine, which is neutral and polar, at codon 223 of the TOR1A protein (p.Arg223Ser). This variant is not present in population databases (gnomAD no frequency). This missense change has been observed in individual(s) with clinical features of autosomal dominant TOR1A-related conditions (internal data). Invitae Evidence Modeling of protein sequence and biophysical properties (such as structural, functional, and spatial information, amino acid conservation, physicochemical variation, residue mobility, and thermodynamic stability) indicates that this missense variant is not expected to disrupt TOR1A protein function with a negative predictive value of 80%. In summary, the available evidence is currently insufficient to determine the role of this variant in disease. Therefore, it has been classified as a Variant of Uncertain Significance.

NM_000113.3(TOR1A):c.669G>C (p.Arg223Ser)

Gene: TOR1A (torsin family 1 member A; minus strand). Cytogenetic location: 9q34.11.
Variant type: single nucleotide variant.
Coding change: c.669G>C on transcript NM_000113.3 (MANE Select); coding-DNA position 669, G replaced by C.
Protein change: p.Arg223Ser; replaces arginine 223 with serine.
Molecular consequence: missense variant.
Genome position (GRCh38, 1-based): chr9:129,818,599, C>G on the plus strand (G>C on the coding strand, the complement: TOR1A is on the minus strand). VCF-style: chr9-129818599-C-G. GRCh37 (hg19) VCF-style: chr9-132580878-C-G.
Other names: short protein forms R223S.
Identifiers: ClinVar variation 4744558 (VCV004744558.1).
Genomic context (GRCh38, chr9:129,818,599, plus strand): 5'-CGACACAGACAACGCGTGTTCAATGTCTTTGAGCTTGATGTCTTCCCTCTGCTTTCCACT[C>G]CTCCAGAAATCCAAAGCCACATCTGTGATCCTTTCTGCTCCAGCATTGCTGCAAAACAAT-3'
Protein context (NP_000104.1, residues 213-233): RITDVALDFW[Arg223Ser]SGKQREDIKL